The following is an entry in ClinVar:

NM_001429.4(EP300):c.4185A>G (p.Ile1395Met)

Gene: EP300 (E1A binding protein p300; plus strand). Cytogenetic location: 22q13.2.
Variant type: single nucleotide variant.
Coding change: c.4185A>G on transcript NM_001429.4 (MANE Select); coding-DNA position 4185, A replaced by G.
Protein change: p.Ile1395Met; replaces isoleucine 1395 with methionine.
Molecular consequence: missense variant.
Genome position (GRCh38, 1-based): chr22:41,169,515, A>G. VCF-style: chr22-41169515-A-G. GRCh37 (hg19) VCF-style: chr22-41565519-A-G.
Other names: c.4107A>G, p.Ile1369Met (NM_001362843.2); short protein forms I1369M, I1395M.
Identifiers: ClinVar variation 1305721 (VCV001305721.2), dbSNP rs937597399, ClinGen allele CA411701463.

ClinVar aggregate classification (germline): Uncertain significance (1 of 4 stars; one submission).

Submission:

GeneDx
Classification: Uncertain significance. Last evaluated: 2019-05-15. Review status: criteria provided, single submitter. Criteria: GeneDx Variant Classification Process June 2021. Collection method: clinical testing. Allele origin: germline. Affected: yes.
Comment: Not observed in large population cohorts (Lek et al., 2016); In silico analysis, which includes protein predictors and evolutionary conservation, supports a deleterious effect; Has not been previously published as pathogenic or benign to our knowledge